The following is an entry in ClinVar:

ClinVar aggregate classification (germline): Pathogenic (1 of 4 stars; one submission).

Conditions:
Polycystic kidney disease, adult type (PKD1). Also called: Polycystic Kidney Disease 1, Autosomal Dominant; POLYCYSTIC KIDNEY DISEASE, ADULT, TYPE I; Polycystic kidney disease 1; Polycystic kidney disease 1, severe; POLYCYSTIC KIDNEY DISEASE 1 WITH OR WITHOUT POLYCYSTIC LIVER DISEASE; Polycystic Kidney, Autosomal Dominant. Identifiers: MedGen C3149841, MONDO:0008263, OMIM 173900.

Submission:

MVZ Medizinische Genetik Mainz
Classification: Pathogenic for Polycystic kidney disease, adult type. Last evaluated: 2026-01-13. Review status: criteria provided, single submitter. Criteria: UK Practice Guidelines For Variant Classification V4 01 2020. Collection method: clinical testing. Allele origin: germline. Inheritance: Autosomal dominant inheritance. Affected: yes. Observed: 1 variant allele.
Comment: ACMG Criteria: PVS1,PM2_SUP,PP4

NM_001009944.3(PKD1):c.6583_6589dup (p.Arg2197fs)

Gene: PKD1 (polycystin 1, transient receptor potential channel interacting; minus strand). Cytogenetic location: 16p13.3.
Variant type: Duplication.
Coding change: c.6583_6589dup on transcript NM_001009944.3 (MANE Select); coding-DNA positions 6583 to 6589, 7 bases duplicated (TGCCAGC; older notation c.6583_6589dupTGCCAGC).
Protein change: p.Arg2197fs; shifts the reading frame from arginine 2197.
Molecular consequence: frameshift variant.
Genome position (GRCh38, 1-based): chr16:2,108,578-2,108,584, GCTGGCA duplicated on the plus strand (TGCCAGC on the coding strand, the reverse complement: PKD1 is on the minus strand); duplicating any 7 consecutive bases within chr16:2,108,578-2,108,590 gives the same sequence; the c. name uses the placement nearest the transcript's 3' end. VCF-style (leftmost placement, unchanged base first): chr16-2108577-C-CGCTGGCA. GRCh37 (hg19) VCF-style: chr16-2158578-C-CGCTGGCA.
Other names: c.6583_6589dup, p.Arg2197fs (NM_000296.4); short protein forms R2197fs.
Identifiers: ClinVar variation 5038210 (VCV005038210.1).